The following is an entry in ClinVar:

NM_001278.5(CHUK):c.1027C>T (p.Arg343Cys)

Gene: CHUK (component of inhibitor of nuclear factor kappa B kinase complex; minus strand). Cytogenetic location: 10q24.31.
Variant type: single nucleotide variant.
Coding change: c.1027C>T on transcript NM_001278.5 (MANE Select); coding-DNA position 1027, C replaced by T.
Protein change: p.Arg343Cys; replaces arginine 343 with cysteine.
Molecular consequence: missense variant.
Genome position (GRCh38, 1-based): chr10:100,209,696, G>A on the plus strand (C>T on the coding strand, the complement: CHUK is on the minus strand). VCF-style: chr10-100209696-G-A. GRCh37 (hg19) VCF-style: chr10-101969453-G-A.
Other names: c.1027C>T, p.Arg343Cys (NM_001320928.2); short protein forms R343C.
Identifiers: ClinVar variation 1363067 (VCV001363067.6), dbSNP rs762306632, ClinGen allele CA5646536.

ClinVar aggregate classification (germline): Uncertain significance (1 of 4 stars; one submission).

Allele frequency attached by ClinVar (database versions not stated): ExAC 0.00001; gnomAD exomes 0.00002; gnomAD 0.00003.
gnomAD v4.1: 22 of 1,577,944 alleles (0.0014%); highest among the groups gnomAD compares: Admixed American, 0.0067%; no homozygotes.

Submission:

Labcorp Genetics (formerly Invitae), Labcorp
Classification: Uncertain significance. Last evaluated: 2021-09-21. Review status: criteria provided, single submitter. Criteria: Invitae Variant Classification Sherloc (09022015). Collection method: clinical testing. Allele origin: germline.
Comment: This sequence change replaces arginine with cysteine at codon 343 of the CHUK protein (p.Arg343Cys). The arginine residue is weakly conserved and there is a large physicochemical difference between arginine and cysteine. This variant is present in population databases (rs762306632, ExAC 0.009%). This variant has not been reported in the literature in individuals affected with CHUK-related conditions. In summary, the available evidence is currently insufficient to determine the role of this variant in disease. Therefore, it has been classified as a Variant of Uncertain Significance. Algorithms developed to predict the effect of missense changes on protein structure and function are either unavailable or do not agree on the potential impact of this missense change (SIFT: "Not Available"; PolyPhen-2: "Benign"; Align-GVGD: "Not Available").